The following is an entry in ClinVar:

NM_145290.4(ADGRA3):c.3871C>T (p.Pro1291Ser)

Gene: ADGRA3 (adhesion G protein-coupled receptor A3; minus strand). Cytogenetic location: 4p15.2.
Variant type: single nucleotide variant.
Coding change: c.3871C>T on transcript NM_145290.4 (MANE Select); coding-DNA position 3871, C replaced by T.
Protein change: p.Pro1291Ser; replaces proline 1291 with serine.
Molecular consequence: missense variant.
Genome position (GRCh38, 1-based): chr4:22,387,800, G>A on the plus strand (C>T on the coding strand, the complement: ADGRA3 is on the minus strand). VCF-style: chr4-22387800-G-A. GRCh37 (hg19) VCF-style: chr4-22389423-G-A.
Other names: short protein forms P1291S.
Identifiers: ClinVar variation 1463904 (VCV001463904.6), dbSNP rs1440717794, ClinGen allele CA356471501.

ClinVar aggregate classification (germline): Uncertain significance (1 of 4 stars; one submission).

Allele frequency attached by ClinVar (database versions not stated): gnomAD exomes below 0.00001 and 0.00001.
gnomAD v4.1: 2 of 1,614,018 alleles (0.00012%); highest among the groups gnomAD compares: Admixed American, 0.0017%; no homozygotes.

Submission:

Labcorp Genetics (formerly Invitae), Labcorp
Classification: Uncertain significance. Last evaluated: 2021-08-04. Review status: criteria provided, single submitter. Criteria: Invitae Variant Classification Sherloc (09022015). Collection method: clinical testing. Allele origin: germline.
Comment: This sequence change replaces proline with serine at codon 1291 of the ADGRA3 protein (p.Pro1291Ser). The proline residue is moderately conserved and there is a moderate physicochemical difference between proline and serine. This variant is not present in population databases (ExAC no frequency). This variant has not been reported in the literature in individuals affected with ADGRA3-related conditions. In summary, the available evidence is currently insufficient to determine the role of this variant in disease. Therefore, it has been classified as a Variant of Uncertain Significance. Algorithms developed to predict the effect of missense changes on protein structure and function (SIFT, PolyPhen-2, Align-GVGD) all suggest that this variant is likely to be tolerated.